The following is an entry in ClinVar:

NM_182925.5(FLT4):c.1048G>A (p.Glu350Lys)

Gene: FLT4 (fms related receptor tyrosine kinase 4; minus strand). Cytogenetic location: 5q35.3.
Variant type: single nucleotide variant.
Coding change: c.1048G>A on transcript NM_182925.5 (MANE Select); coding-DNA position 1048, G replaced by A.
Protein change: p.Glu350Lys; replaces glutamic acid 350 with lysine.
Molecular consequence: missense variant.
Genome position (GRCh38, 1-based): chr5:180,628,937, C>T on the plus strand (G>A on the coding strand, the complement: FLT4 is on the minus strand). VCF-style: chr5-180628937-C-T. GRCh37 (hg19) VCF-style: chr5-180055937-C-T.
Other names: c.1048G>A, p.Glu350Lys (NM_001354989.2, NM_002020.5); short protein forms E350K.
Identifiers: ClinVar variation 4872581 (VCV004872581.2).

ClinVar aggregate classification (germline): Uncertain significance (1 of 4 stars; one submission).

gnomAD v4.1: 28 of 1,612,630 alleles (0.0017%); highest among the groups gnomAD compares: Middle Eastern, 0.033%; no homozygotes.

Submission:

CeGaT Center for Human Genetics Tuebingen
Classification: Uncertain significance. Last evaluated: 2026-06-01. Review status: criteria provided, single submitter. Criteria: CeGaT Center For Human Genetics Tuebingen Variant Classification Criteria Version 2. Collection method: clinical testing. Allele origin: germline. Affected: yes. Observed: 1 variant allele.
Comment: FLT4: PM2, BP4